The following is an entry in ClinVar:

ClinVar aggregate classification (germline): Uncertain significance (1 of 4 stars; one submission).

Submission:

Labcorp Genetics (formerly Invitae), Labcorp
Classification: Uncertain significance. Last evaluated: 2024-11-27. Review status: criteria provided, single submitter. Criteria: Invitae Variant Classification Sherloc (09022015). Collection method: clinical testing. Allele origin: germline.
Comment: This sequence change replaces aspartic acid, which is acidic and polar, with glycine, which is neutral and non-polar, at codon 456 of the AK7 protein (p.Asp456Gly). This variant is not present in population databases (gnomAD no frequency). This variant has not been reported in the literature in individuals affected with AK7-related conditions. Invitae Evidence Modeling of protein sequence and biophysical properties (such as structural, functional, and spatial information, amino acid conservation, physicochemical variation, residue mobility, and thermodynamic stability) indicates that this missense variant is not expected to disrupt AK7 protein function with a negative predictive value of 80%. In summary, the available evidence is currently insufficient to determine the role of this variant in disease. Therefore, it has been classified as a Variant of Uncertain Significance.

NM_152327.5(AK7):c.1367A>G (p.Asp456Gly)

Gene: AK7 (adenylate kinase 7; plus strand). Cytogenetic location: 14q32.2.
Variant type: single nucleotide variant.
Coding change: c.1367A>G on transcript NM_152327.5 (MANE Select); coding-DNA position 1367, A replaced by G.
Protein change: p.Asp456Gly; replaces aspartic acid 456 with glycine.
Molecular consequence: missense variant. On other transcripts: intron variant (1).
Genome position (GRCh38, 1-based): chr14:96,471,487, A>G. VCF-style: chr14-96471487-A-G. GRCh37 (hg19) VCF-style: chr14-96937824-A-G.
Other names: c.1367A>G, p.Asp456Gly (NM_001350888.2, NM_001350890.2); c.1289A>G, p.Asp430Gly (NM_001350891.2); c.1358-6978A>G (NM_001350892.2); short protein forms D430G, D456G.
Identifiers: ClinVar variation 3666700 (VCV003666700.2).